The following is an entry in ClinVar:

NM_012186.3(FOXE3):c.163C>A (p.Pro55Thr)

Genes: FOXE3 (forkhead box E3; plus strand), LINC01389 (long independently transcribed non-coding RNA 1389; minus strand). Cytogenetic location: 1p33.
Variant type: single nucleotide variant.
Coding change: c.163C>A on transcript NM_012186.3 (MANE Select); coding-DNA position 163, C replaced by A.
Protein change: p.Pro55Thr; replaces proline 55 with threonine.
Molecular consequence: missense variant.
Genome position (GRCh38, 1-based): chr1:47,416,478, C>A. VCF-style: chr1-47416478-C-A. GRCh37 (hg19) VCF-style: chr1-47882150-C-A.
Other names: c.163C>A (NM_012186.2); short protein forms P55T.
Identifiers: ClinVar variation 1013237 (VCV001013237.40), dbSNP rs1646883185, ClinGen allele CA340249158.
Genomic context (GRCh38, chr1:47,416,478, plus strand): 5'-GCCGAGCCAGGGCGGGAGCCAGAGGAGGCGGCGGCTGGCCGCGGAGAGGCGGCCCCCACG[C>A]CCGCGCCCGGCCCGGGGCGGCGGCGGCGGCGGCCCCTGCAGCGCGGGAAGCCGCCCTACT-3'
Protein context (NP_036318.1, residues 45-65): AAGRGEAAPT[Pro55Thr]APGPGRRRRR

ClinVar aggregate classification (germline): Uncertain significance. Review status: criteria provided, multiple submitters, no conflicts (2 of 4 stars). 3 submissions from 3 submitters: Uncertain significance (3). Last evaluated 2025-08-12.

Conditions:
Cardiovascular phenotype. Identifiers: MedGen CN230736.

Submissions (3):

Ambry Genetics
Classification: Uncertain significance for Cardiovascular phenotype. Last evaluated: 2025-08-12. Review status: criteria provided, single submitter. Criteria: Ambry Variant Classification Scheme 2023. Collection method: clinical testing. Allele origin: germline.

GeneDx
Classification: Uncertain significance. Last evaluated: 2023-05-30. Review status: criteria provided, single submitter. Criteria: GeneDx Variant Classification Process June 2021. Collection method: clinical testing. Allele origin: germline. Affected: yes.
Comment: Not observed at significant frequency in large population cohorts (gnomAD); In silico analysis supports that this missense variant does not alter protein structure/function; Has not been previously published as pathogenic or benign to our knowledge

CeGaT Center for Human Genetics Tuebingen
Classification: Uncertain significance. Last evaluated: 2020-11-01. Review status: criteria provided, single submitter. Criteria: CeGaT Center For Human Genetics Tuebingen Variant Classification Criteria Version 2. Collection method: clinical testing. Allele origin: germline. Affected: yes. Observed: 1 variant allele.